The following is an entry in ClinVar:

ClinVar aggregate classification (germline): Uncertain significance (1 of 4 stars; one submission).

Submission:

GeneDx
Classification: Uncertain significance. Last evaluated: 2023-06-28. Review status: criteria provided, single submitter. Criteria: GeneDx Variant Classification Process June 2021. Collection method: clinical testing. Allele origin: germline. Affected: yes.
Comment: Not observed at significant frequency in large population cohorts (gnomAD); In silico analysis supports that this missense variant does not alter protein structure/function; Has not been previously published as pathogenic or benign to our knowledge

NM_022101.4(STEEP1):c.154C>T (p.Pro52Ser)

Gene: STEEP1 (STING1 ER exit protein 1; minus strand). Cytogenetic location: Xq24.
Variant type: single nucleotide variant.
Coding change: c.154C>T on transcript NM_022101.4 (MANE Select); coding-DNA position 154, C replaced by T.
Protein change: p.Pro52Ser; replaces proline 52 with serine.
Molecular consequence: missense variant.
Genome position (GRCh38, 1-based): chrX:119,560,356, G>A on the plus strand (C>T on the coding strand, the complement: STEEP1 is on the minus strand). VCF-style: chrX-119560356-G-A. GRCh37 (hg19) VCF-style: chrX-118694319-G-A.
Other names: c.7C>T, p.Pro3Ser (NM_001170569.1); c.154C>T, p.Pro52Ser (NM_001170570.2); short protein forms P3S, P52S.
Identifiers: ClinVar variation 3360609 (VCV003360609.1).